The following is an entry in ClinVar:

NM_013432.5(TONSL):c.2456C>G (p.Ala819Gly)

Genes: TONSL-AS1 (TONSL antisense RNA 1; plus strand), TONSL (tonsoku like, DNA repair protein; minus strand). Cytogenetic location: 8q24.3.
Variant type: single nucleotide variant.
Coding change: c.2456C>G on transcript NM_013432.5 (MANE Select); coding-DNA position 2456, C replaced by G.
Protein change: p.Ala819Gly; replaces alanine 819 with glycine.
Molecular consequence: missense variant.
Genome position (GRCh38, 1-based): chr8:144,435,977, G>C on the plus strand (C>G on the coding strand, the complement: TONSL is on the minus strand). VCF-style: chr8-144435977-G-C. GRCh37 (hg19) VCF-style: chr8-145661360-G-C.
Other names: short protein forms A819G.
Identifiers: ClinVar variation 1931014 (VCV001931014.4), dbSNP rs760550132, ClinGen allele CA4942825.
Genomic context (GRCh38, chr8:144,435,977, plus strand): 5'-TCCAGCTCCAGCCAGTCCCCGGCCAGGCACTCCTCCTCCGGGATGAGCGCTGCCTGGGGG[G>C]CAAGGGCTTTGCTGTGGCCCCGCGGTGGGCCAGGCCCCAGCCGGCTCTGAGCACTGCCCA-3'
Protein context (NP_038460.4, residues 809-829): GPPRGHSKAL[Ala819Gly]PQAALIPEEE

ClinVar aggregate classification (germline): Uncertain significance (1 of 4 stars; one submission).

gnomAD v4.1: 3 of 1,555,040 alleles (0.00019%); highest among the groups gnomAD compares: Admixed American, 0.0018%; no homozygotes.

Submission:

Labcorp Genetics (formerly Invitae), Labcorp
Classification: Uncertain significance. Last evaluated: 2025-01-06. Review status: criteria provided, single submitter. Criteria: Invitae Variant Classification Sherloc (09022015). Collection method: clinical testing. Allele origin: germline.
Comment: This sequence change replaces alanine, which is neutral and non-polar, with glycine, which is neutral and non-polar, at codon 819 of the TONSL protein (p.Ala819Gly). This variant is present in population databases (rs760550132, gnomAD 0.003%). This variant has not been reported in the literature in individuals affected with TONSL-related conditions. ClinVar contains an entry for this variant (Variation ID: 1931014). Invitae Evidence Modeling of protein sequence and biophysical properties (such as structural, functional, and spatial information, amino acid conservation, physicochemical variation, residue mobility, and thermodynamic stability) indicates that this missense variant is not expected to disrupt TONSL protein function with a negative predictive value of 80%. In summary, the available evidence is currently insufficient to determine the role of this variant in disease. Therefore, it has been classified as a Variant of Uncertain Significance.